The following is an entry in ClinVar:

ClinVar aggregate classification (germline): Likely benign (1 of 4 stars; one submission).

Allele frequency attached by ClinVar (database versions not stated): ExAC 0.00004; ESP Exome Variant Server 0.00008; gnomAD 0.00010; TOPMed 0.00012.

Submission:

CeGaT Center for Human Genetics Tuebingen
Classification: Likely benign. Last evaluated: 2023-10-01. Review status: criteria provided, single submitter. Criteria: CeGaT Center For Human Genetics Tuebingen Variant Classification Criteria Version 2. Collection method: clinical testing. Allele origin: germline. Affected: yes. Observed: 1 variant allele.
Comment: MMEL1: BP4, BP7

NM_033467.4(MMEL1):c.663G>A (p.Ala221=)

Gene: MMEL1 (membrane metalloendopeptidase like 1; minus strand). Cytogenetic location: 1p36.32.
Variant type: single nucleotide variant.
Coding change: c.663G>A on transcript NM_033467.4 (MANE Select); coding-DNA position 663, G replaced by A.
Protein change: p.Ala221=; no amino-acid change (alanine 221 retained).
Molecular consequence: synonymous variant.
Genome position (GRCh38, 1-based): chr1:2,606,335, C>T on the plus strand (G>A on the coding strand, the complement: MMEL1 is on the minus strand). VCF-style: chr1-2606335-C-T. GRCh37 (hg19) VCF-style: chr1-2537774-C-T.
Identifiers: ClinVar variation 2638089 (VCV002638089.24), dbSNP rs369377247, ClinGen allele CA542783.